The following is an entry in ClinVar:

ClinVar aggregate classification (germline): Uncertain significance (1 of 4 stars; one submission).

Submission:

Labcorp Genetics (formerly Invitae), Labcorp
Classification: Uncertain significance. Last evaluated: 2021-10-18. Review status: criteria provided, single submitter. Criteria: Invitae Variant Classification Sherloc (09022015). Collection method: clinical testing. Allele origin: germline.
Comment: This variant results in a copy number gain of the genomic region encompassing exon(s) 24-26 of the EYS gene. While the exact position of this variant cannot be determined from the data, sub-genic copy number gains are generally in tandem (PMID: 25640679). This variant is predicted to be in-frame, and likely preserves the integrity of the reading frame. This variant has not been reported in the literature in individuals affected with EYS-related conditions. Experimental studies and prediction algorithms are not available or were not evaluated, and the functional significance of this variant is currently unknown. In summary, the available evidence is currently insufficient to determine the role of this variant in disease. Therefore, it has been classified as a Variant of Uncertain Significance.

Literature cited by the submitters: PubMed 25640679.

NC_000006.11:g.(?_65300096)_(65327446_?)dup

Gene: EYS (eyes shut homolog; minus strand). Cytogenetic location: 6q12.
Variant type: Duplication.
Identifiers: ClinVar variation 1410274 (VCV001410274.3).